The following is an entry in ClinVar:

ClinVar aggregate classification (germline): Uncertain significance (1 of 4 stars; one submission).

Allele frequency attached by ClinVar (database versions not stated): TOPMed 0.00002.
gnomAD v4.1: 17 of 1,549,608 alleles (0.0011%); highest among the groups gnomAD compares: Middle Eastern, 0.017%; no homozygotes.

Submission:

Laboratory for Molecular Medicine, Mass General Brigham Personalized Medicine
Classification: Uncertain significance. Last evaluated: 2016-11-30. Review status: criteria provided, single submitter. Criteria: LMM Criteria. Collection method: clinical testing. Allele origin: germline. Observed: 1 variant allele.
Comment: The c.6329-3C>G variant in OTOG has not been previously reported in individuals with hearing loss or in large population studies, but has been identified in 1/5 2118 European chromosomes by the genome Aggregation Database (gnomAD; dbSNP rs201371081). This variant is located in the 3' splice region. Computational tools suggest a possible impact to splicing. However, this information is not predictive enough to determine pathogenicity. In summary, the clinical significance of the c.6329-3C>G variant is uncertain.

NM_001292063.2(OTOG):c.6293-3C>G

Gene: OTOG (otogelin; plus strand). Cytogenetic location: 11p15.1.
Variant type: single nucleotide variant.
Coding change: c.6293-3C>G on transcript NM_001292063.2 (MANE Select); 3 bases into the intron before coding-DNA position 6293, C replaced by G.
Molecular consequence: intron variant.
Genome position (GRCh38, 1-based): chr11:17,612,617, C>G. VCF-style: chr11-17612617-C-G. GRCh37 (hg19) VCF-style: chr11-17634164-C-G.
Other names: c.6329-3C>G (NM_001277269.2).
Identifiers: ClinVar variation 505426 (VCV000505426.5), dbSNP rs201371081, ClinGen allele CA218478765.